The following is an entry in ClinVar:

NM_001370.2(DNAH6):c.10413C>A (p.His3471Gln)

Gene: DNAH6 (dynein axonemal heavy chain 6; plus strand). Cytogenetic location: 2p11.2.
Variant type: single nucleotide variant.
Coding change: c.10413C>A on transcript NM_001370.2 (MANE Select); coding-DNA position 10413, C replaced by A.
Protein change: p.His3471Gln; replaces histidine 3471 with glutamine.
Molecular consequence: missense variant.
Genome position (GRCh38, 1-based): chr2:84,745,150, C>A. VCF-style: chr2-84745150-C-A. GRCh37 (hg19) VCF-style: chr2-84972274-C-A.
Other names: short protein forms H3471Q.
Identifiers: ClinVar variation 4985548 (VCV004985548.1).
Genomic context (GRCh38, chr2:84,745,150, plus strand): 5'-GACTTATATTAACCCACAGAAATGGGAAGGCTATTCTAAAATGAAACACGAAGATAAACA[C>A]ATGAGACAGGAAAAGGAGGCAGCACACCAAGATCCATGGAGTGCAGGATTGAGTTCTTTC-3'
Protein context (NP_001361.1, residues 3461-3481): GYSKMKHEDK[His3471Gln]MRQEKEAAHQ

ClinVar aggregate classification (germline): Likely benign (1 of 4 stars; one submission).

Conditions:
DNAH6-related disorder. Also called: DNAH6-related condition.

gnomAD v4.1: 761 of 1,549,018 alleles (0.049%); highest among the groups gnomAD compares: African/African-American, 0.96%; 4 homozygotes.

Submission:

PreventionGenetics, part of Exact Sciences
Classification: Likely benign for DNAH6-related condition. Last evaluated: 2026-05-26. Review status: criteria provided, single submitter. Criteria: ACMG Guidelines, 2015. Collection method: clinical testing. Allele origin: germline.
Comment: This variant is classified as likely benign based on ACMG/AMP sequence variant interpretation guidelines (Richards et al. 2015 PMID: 25741868, with internal and published modifications).